The following is an entry in ClinVar:

ClinVar aggregate classification (germline): Uncertain significance. Review status: criteria provided, multiple submitters, no conflicts (2 of 4 stars). 2 submissions from 2 submitters: Uncertain significance (2). Last evaluated 2025-08-10.

Allele frequency attached by ClinVar (database versions not stated): TOPMed 0.00007; gnomAD 0.00009; ExAC 0.00010; 1000 Genomes Project 0.00020; 1000 Genomes Project 30x 0.00031.
gnomAD v4.1: 41 of 1,367,442 alleles (0.003%); highest among the groups gnomAD compares: East Asian, 0.12%; no homozygotes.

Submissions (2):

Labcorp Genetics (formerly Invitae), Labcorp
Classification: Uncertain significance. Last evaluated: 2025-08-10. Review status: criteria provided, single submitter. Criteria: Invitae Variant Classification Sherloc (09022015). Collection method: clinical testing. Allele origin: germline.
Comment: This sequence change replaces proline, which is neutral and non-polar, with alanine, which is neutral and non-polar, at codon 1467 of the ERCC6L2 protein (p.Pro1467Ala). This variant is present in population databases (rs375024642, gnomAD 0.2%). This variant has not been reported in the literature in individuals affected with ERCC6L2-related conditions. ClinVar contains an entry for this variant (Variation ID: 1992188). Experimental studies and prediction algorithms are not available or were not evaluated, and the functional significance of this variant is currently unknown. In summary, the available evidence is currently insufficient to determine the role of this variant in disease. Therefore, it has been classified as a Variant of Uncertain Significance.

Blueprint Genetics
Classification: Uncertain significance. Last evaluated: 2021-11-17. Review status: criteria provided, single submitter. Criteria: ACMG Guidelines, 2015. Collection method: clinical testing. Allele origin: germline.

NM_020207.7(ERCC6L2):c.4366C>G (p.Pro1456Ala)

Gene: ERCC6L2 (ERCC excision repair 6 like 2; plus strand). Cytogenetic location: 9q22.32.
Variant type: single nucleotide variant.
Coding change: c.4366C>G on transcript NM_020207.7 (MANE Select); coding-DNA position 4366, C replaced by G.
Protein change: p.Pro1456Ala; replaces proline 1456 with alanine.
Molecular consequence: missense variant. On other transcripts: non-coding transcript variant (1), intron variant (2).
Genome position (GRCh38, 1-based): chr9:96,012,916, C>G. VCF-style: chr9-96012916-C-G. GRCh37 (hg19) VCF-style: chr9-98775198-C-G.
Other names: c.3674+8215C>G (NM_001375291.1, NM_001375292.1); short protein forms P1456A.
Identifiers: ClinVar variation 1992188 (VCV001992188.5), dbSNP rs375024642, ClinGen allele CA5140100.